The following is an entry in ClinVar:

NM_000090.4(COL3A1):c.1662C>G (p.Pro554=)

Gene: COL3A1 (collagen type III alpha 1 chain; plus strand). Cytogenetic location: 2q32.2.
Variant type: single nucleotide variant.
Coding change: c.1662C>G on transcript NM_000090.4 (MANE Select); coding-DNA position 1662, C replaced by G.
Protein change: p.Pro554=; no amino-acid change (proline 554 retained).
Molecular consequence: synonymous variant.
Genome position (GRCh38, 1-based): chr2:188,996,178, C>G. VCF-style: chr2-188996178-C-G. GRCh37 (hg19) VCF-style: chr2-189860904-C-G.
Identifiers: ClinVar variation 1403090 (VCV001403090.11), dbSNP rs373963384, ClinGen allele CA62597390.

ClinVar aggregate classification (germline): Conflicting classifications of pathogenicity. Review status: criteria provided, conflicting classifications (1 of 4 stars). 4 submissions from 4 submitters: Uncertain significance (1); Likely benign (3). Last evaluated 2025-02-03.

Conditions:
Ehlers-Danlos syndrome, type 4 (EDSVASC). Also called: Ehlers-Danlos syndrome vascular type; Ehlers Danlos syndrome, ecchymotic type; Ehlers Danlos syndrome, arterial type; Ehlers Danlos syndrome, Sack-Barabas type; Ehlers-Danlos Syndrome Type IV. Identifiers: Orphanet 286, MedGen C0268338, MONDO:0017314, OMIM 130050.
Familial thoracic aortic aneurysm and aortic dissection (TAAD). Also called: Thoracic aortic aneurysms and dissections. Identifiers: Orphanet 91387, MedGen C4707243, MONDO:0019625.

gnomAD v4.1: 13 of 1,612,850 alleles (0.00081%); highest among the groups gnomAD compares: Non-Finnish European, 0.0011%; no homozygotes.

Submissions (4):

Labcorp Genetics (formerly Invitae), Labcorp
Classification: Uncertain significance for Ehlers-Danlos syndrome, type 4. Last evaluated: 2025-02-03. Review status: criteria provided, single submitter. Criteria: Invitae Variant Classification Sherloc (09022015). Collection method: clinical testing. Allele origin: germline.
Comment: This sequence change affects codon 554 of the COL3A1 mRNA. It is a 'silent' change, meaning that it does not change the encoded amino acid sequence of the COL3A1 protein. It affects a nucleotide within the consensus splice site. This variant is not present in population databases (gnomAD no frequency). This variant has not been reported in the literature in individuals affected with COL3A1-related conditions. ClinVar contains an entry for this variant (Variation ID: 1403090). Algorithms developed to predict the effect of sequence changes on RNA splicing suggest that this variant is not likely to affect RNA splicing. In summary, the available evidence is currently insufficient to determine the role of this variant in disease. Therefore, it has been classified as a Variant of Uncertain Significance.

All of Us Research Program, National Institutes of Health
Classification: Likely benign for Ehlers-Danlos syndrome, type 4. Last evaluated: 2024-03-14. Review status: criteria provided, single submitter. Criteria: ACMG Guidelines, 2015. Collection method: clinical testing. Allele origin: germline. Inheritance: Autosomal dominant inheritance. Observed: 1 variant allele, 1 heterozygote.
Comment: This study involves interpretation of variants in research participants for the purpose of population health screening. Participant phenotype was not available at the time of variant classification. Additional details can be found in publication PMID: 35346344, PMCID: PMC8962531

Color Diagnostics, LLC DBA Color Health
Classification: Likely benign for Familial thoracic aortic aneurysm and aortic dissection. Last evaluated: 2024-02-28. Review status: criteria provided, single submitter. Criteria: ACMG Guidelines, 2015. Collection method: clinical testing. Allele origin: germline.

Ambry Genetics
Classification: Likely benign for Familial thoracic aortic aneurysm and aortic dissection. Last evaluated: 2018-01-09. Review status: criteria provided, single submitter. Criteria: Ambry Variant Classification Scheme 2023. Collection method: clinical testing. Allele origin: germline.